The following is an entry in ClinVar:

NM_006231.4(POLE):c.2641A>C (p.Thr881Pro)

Gene: POLE (DNA polymerase epsilon, catalytic subunit; minus strand). Cytogenetic location: 12q24.33.
Variant type: single nucleotide variant.
Coding change: c.2641A>C on transcript NM_006231.4 (MANE Select); coding-DNA position 2641, A replaced by C.
Protein change: p.Thr881Pro; replaces threonine 881 with proline.
Molecular consequence: missense variant.
Genome position (GRCh38, 1-based): chr12:132,664,069, T>G on the plus strand (A>C on the coding strand, the complement: POLE is on the minus strand). VCF-style: chr12-132664069-T-G. GRCh37 (hg19) VCF-style: chr12-133240655-T-G.
Other names: short protein forms T881P.
Identifiers: ClinVar variation 1358544 (VCV001358544.6), dbSNP rs2135956812, ClinGen allele CA387395468.

ClinVar aggregate classification (germline): Uncertain significance (1 of 4 stars; one submission).

Submission:

Labcorp Genetics (formerly Invitae), Labcorp
Classification: Uncertain significance. Last evaluated: 2025-04-17. Review status: criteria provided, single submitter. Criteria: Invitae Variant Classification Sherloc (09022015). Collection method: clinical testing. Allele origin: germline.
Comment: This sequence change replaces threonine, which is neutral and polar, with proline, which is neutral and non-polar, at codon 881 of the POLE protein (p.Thr881Pro). This variant is not present in population databases (gnomAD no frequency). This variant has not been reported in the literature in individuals affected with POLE-related conditions. ClinVar contains an entry for this variant (Variation ID: 1358544). Invitae Evidence Modeling of protein sequence and biophysical properties (such as structural, functional, and spatial information, amino acid conservation, physicochemical variation, residue mobility, and thermodynamic stability) indicates that this missense variant is not expected to disrupt POLE protein function with a negative predictive value of 80%. In summary, the available evidence is currently insufficient to determine the role of this variant in disease. Therefore, it has been classified as a Variant of Uncertain Significance.